The following is an entry in ClinVar:

NM_020975.6(RET):c.1899_1900delinsAA (p.Cys634Ser)

Gene: RET (ret proto-oncogene; plus strand). Cytogenetic location: 10q11.21.
Variant type: Indel.
Coding change: c.1899_1900delinsAA on transcript NM_020975.6 (MANE Select); coding-DNA positions 1899 to 1900, GT replaced by AA.
Protein change: p.Cys634Ser; replaces cysteine 634 with serine.
Molecular consequence: missense variant.
Genome position (GRCh38, 1-based): chr10:43,114,499-43,114,500, GT replaced by AA. VCF-style: chr10-43114499-GT-AA. GRCh37 (hg19) VCF-style: chr10-43609947-GT-AA.
Other names: c.1899_1900delGTinsAA, p.Cys634Ser (NM_020630.7, NM_000323.2, NM_001406743.1 and 4 more transcripts); c.1137_1138delGTinsAA, p.Cys380Ser (NM_001355216.2); c.1770_1771delGTinsAA, p.Cys591Ser (NM_001406761.1, NM_001406762.1, NM_001406764.1); c.1611_1612delGTinsAA, p.Cys538Ser (NM_001406766.1, NM_001406767.1, NM_001406770.1); c.1503_1504delGTinsAA, p.Cys502Ser (NM_001406769.1, NM_001406772.1); c.1461_1462delGTinsAA, p.Cys488Ser (NM_001406771.1, NM_001406773.1); c.1374_1375delGTinsAA, p.Cys459Ser (NM_001406774.1); c.1173_1174delGTinsAA, p.Cys392Ser (NM_001406775.1, NM_001406776.1, NM_001406777.1 and 1 more transcripts); and 7 more; short protein forms C488S, C502S, C538S, C591S, C295S, C392S, C151S, C239S.
Identifiers: ClinVar variation 1782209 (VCV001782209.2), dbSNP rs2538494024, ClinGen allele CA2580081459.

ClinVar aggregate classification (germline): Pathogenic (1 of 4 stars; one submission).

Conditions:
Hereditary cancer-predisposing syndrome. Also called: Neoplastic Syndromes, Hereditary; Tumor predisposition; Hereditary Cancer Syndrome; Hereditary neoplastic syndrome. Identifiers: Orphanet 140162, MedGen C0027672, MeSH D009386, MONDO:0015356.

Submission:

Ambry Genetics
Classification: Pathogenic for Hereditary cancer-predisposing syndrome. Last evaluated: 2022-05-30. Review status: criteria provided, single submitter. Criteria: Ambry Variant Classification Scheme 2023. Collection method: clinical testing. Allele origin: germline.
Comment: The p.C634S pathogenic mutation (also known as c.1899_1900delGTinsAA), located in coding exon 11 of the RET gene, results from an in-frame deletion of GT and insertion of AA at nucleotide positions 1899 to 1900. This results in the substitution of the cysteine residue for a serine residue at codon 634, an amino acid with dissimilar properties. This alteration has been observed in at least one individual with a personal and/or family history that is consistent with RET-related disease (Ambry internal data). Another alteration resulting in the same change at this codon, p.C634S (c.1900T>A), has been been reported in numerous families with multiple endocrine neoplasia type 2A (MEN2A) or familial medullary thyroid cancer (FMTC) and has been shown to segregate with disease in many of these families (Mulligan LM et al. Nat. Genet., 1994 Jan;6:70-4; Hedayati M et al. J Thyroid Res, 2011 Jun;2011:264248; Mahesh DM et al. Indian J Endocrinol Metab, 2014 Jul;18:516-20; Moore SW et al. J. Pediatr. Surg., 2007 Feb;42:326-32; Zhou Y et al. Clin. Endocrinol. (Oxf), 2007 Oct;67:570-6). The p.C634S alteration has been shown by functional studies to lead to constitutive activation of RET tyrosine kinase and constitutive phosphorylation of MAPK (Melillo RM et al. Am. J. Pathol., 2004 Aug;165:511-21). This mutation occurs at a known hotspot and studies evaluating genotype-phenotype correlation suggest higher penetrance for pheochromocytoma in MEN2 patients with mutations at amino acid position 634 (Quayle FJ et al. Surgery 2007;142:800-5; Yip L et al. Arch Surg 2003; 138:409-16). This amino acid position is highly conserved in available vertebrate species. This variant is considered to be rare based on population cohorts in the Genome Aggregation Database (gnomAD). Based on the supporting evidence, this variant is expected to be causative of MEN2 disease; however, its clinical significance for Hirschsprung is unclear.